The following is an entry in ClinVar:

NM_024675.4(PALB2):c.1267G>A (p.Val423Ile)

Gene: PALB2 (partner and localizer of BRCA2; minus strand). Cytogenetic location: 16p12.2.
Variant type: single nucleotide variant.
Coding change: c.1267G>A on transcript NM_024675.4 (MANE Select); coding-DNA position 1267, G replaced by A.
Protein change: p.Val423Ile; replaces valine 423 with isoleucine.
Molecular consequence: missense variant.
Genome position (GRCh38, 1-based): chr16:23,635,279, C>T on the plus strand (G>A on the coding strand, the complement: PALB2 is on the minus strand). VCF-style: chr16-23635279-C-T. GRCh37 (hg19) VCF-style: chr16-23646600-C-T.
Other names: short protein forms V423I.
Identifiers: ClinVar variation 1021058 (VCV001021058.11), dbSNP rs1966980569, ClinGen allele CA395132699.

ClinVar aggregate classification (germline): Uncertain significance. Review status: criteria provided, multiple submitters, no conflicts (2 of 4 stars). 2 submissions from 2 submitters: Uncertain significance (2). Last evaluated 2025-08-20.

Conditions:
Hereditary cancer-predisposing syndrome. Also called: Hereditary Cancer Syndrome; Neoplastic Syndromes, Hereditary; Tumor predisposition; Hereditary neoplastic syndrome. Identifiers: Orphanet 140162, MedGen C0027672, MeSH D009386, MONDO:0015356.
Familial cancer of breast. Also called: Hereditary breast cancer; BREAST CANCER, FAMILIAL; hereditary breast carcinoma. Identifiers: Orphanet 227535, MedGen C0346153, MONDO:0016419, OMIM 114480. Disease mechanism: loss of function.

Submissions (2):

Labcorp Genetics (formerly Invitae), Labcorp
Classification: Uncertain significance for Familial cancer of breast. Last evaluated: 2025-08-20. Review status: criteria provided, single submitter. Criteria: Invitae Variant Classification Sherloc (09022015). Collection method: clinical testing. Allele origin: germline.
Comment: This sequence change replaces valine, which is neutral and non-polar, with isoleucine, which is neutral and non-polar, at codon 423 of the PALB2 protein (p.Val423Ile). This variant is not present in population databases (gnomAD no frequency). This variant has not been reported in the literature in individuals affected with PALB2-related conditions. ClinVar contains an entry for this variant (Variation ID: 1021058). Invitae Evidence Modeling of protein sequence and biophysical properties (such as structural, functional, and spatial information, amino acid conservation, physicochemical variation, residue mobility, and thermodynamic stability) indicates that this missense variant is not expected to disrupt PALB2 protein function with a negative predictive value of 80%. In summary, the available evidence is currently insufficient to determine the role of this variant in disease. Therefore, it has been classified as a Variant of Uncertain Significance.

Color Diagnostics, LLC DBA Color Health
Classification: Uncertain significance for Hereditary cancer-predisposing syndrome. Last evaluated: 2023-07-17. Review status: criteria provided, single submitter. Criteria: ACMG Guidelines, 2015. Collection method: clinical testing. Allele origin: germline.
Comment: This missense variant replaces valine with isoleucine at codon 423 of the PALB2 protein. Computational prediction suggests that this variant may not impact protein structure and function (internally defined REVEL score threshold <= 0.5, PMID: 27666373). To our knowledge, functional studies have not been reported for this variant. This variant has not been reported in individuals affected with PALB2-related disorders in the literature. This variant has not been identified in the general population by the Genome Aggregation Database (gnomAD). The available evidence is insufficient to determine the role of this variant in disease conclusively. Therefore, this variant is classified as a Variant of Uncertain Significance.